The following is an entry in ClinVar:

NM_020699.4(GATAD2B):c.307G>A (p.Glu103Lys)

Gene: GATAD2B (GATA zinc finger domain containing 2B; minus strand). Cytogenetic location: 1q21.3.
Variant type: single nucleotide variant.
Coding change: c.307G>A on transcript NM_020699.4 (MANE Select); coding-DNA position 307, G replaced by A.
Protein change: p.Glu103Lys; replaces glutamic acid 103 with lysine.
Molecular consequence: missense variant.
Genome position (GRCh38, 1-based): chr1:153,828,041, C>T on the plus strand (G>A on the coding strand, the complement: GATAD2B is on the minus strand). VCF-style: chr1-153828041-C-T. GRCh37 (hg19) VCF-style: chr1-153800517-C-T.
Other names: short protein forms E103K.
Identifiers: ClinVar variation 2073480 (VCV002073480.4), dbSNP rs1674944182, ClinGen allele CA342539954.
Genomic context (GRCh38, chr1:153,828,041, plus strand): 5'-CTATCCCTGGAGGCAGCTGAACTGAGCCATACCTCCGTCTAGCACTCATATCCACAGGCT[C>T]ATCATTGATGTTTTCTTTGCCTGGCCTTCCAGCAGTCCTGTTGTCTCCATGAGGCCTGAG-3'
Protein context (NP_065750.1, residues 93-113): GRPGKENIND[Glu103Lys]PVDMSARRSE

ClinVar aggregate classification (germline): Uncertain significance (1 of 4 stars; one submission).

Allele frequency attached by ClinVar (database versions not stated): gnomAD exomes below 0.00001; TOPMed 0.00001.
gnomAD v4.1: 1 of 1,614,128 alleles (0.000062%); highest among the groups gnomAD compares: African/African-American, 0.0013%; no homozygotes.

Submission:

Labcorp Genetics (formerly Invitae), Labcorp
Classification: Uncertain significance. Last evaluated: 2024-11-18. Review status: criteria provided, single submitter. Criteria: Invitae Variant Classification Sherloc (09022015). Collection method: clinical testing. Allele origin: germline.
Comment: This sequence change replaces glutamic acid, which is acidic and polar, with lysine, which is basic and polar, at codon 103 of the GATAD2B protein (p.Glu103Lys). This variant is not present in population databases (gnomAD no frequency). This variant has not been reported in the literature in individuals affected with GATAD2B-related conditions. ClinVar contains an entry for this variant (Variation ID: 2073480). Invitae Evidence Modeling of protein sequence and biophysical properties (such as structural, functional, and spatial information, amino acid conservation, physicochemical variation, residue mobility, and thermodynamic stability) has been performed for this missense variant. However, the output from this modeling did not meet the statistical confidence thresholds required to predict the impact of this variant on GATAD2B protein function. In summary, the available evidence is currently insufficient to determine the role of this variant in disease. Therefore, it has been classified as a Variant of Uncertain Significance.